The following is an entry in ClinVar:

NM_152443.3(RDH12):c.829_830del (p.Leu277fs)

Genes: ZFYVE26 (zinc finger FYVE-type containing 26; minus strand), RDH12 (retinol dehydrogenase 12; plus strand), GPHN (gephyrin; plus strand). Cytogenetic location: 14q24.1.
Variant type: Deletion.
Coding change: c.829_830del on transcript NM_152443.3 (MANE Select); coding-DNA positions 829 to 830, 2 bases deleted (CT; older notation c.829_830delCT).
Protein change: p.Leu277fs; shifts the reading frame from leucine 277.
Molecular consequence: frameshift variant.
Genome position (GRCh38, 1-based): chr14:67,729,361-67,729,362, CT deleted. VCF-style (leftmost placement, unchanged base first): chr14-67729360-CCT-C. GRCh37 (hg19) VCF-style: chr14-68196077-CCT-C.
Other names: c.829_830delCT (NM_152443.2); short protein forms L277fs.
Identifiers: ClinVar variation 1946795 (VCV001946795.6), dbSNP rs1048754592, ClinGen allele CA262810180.

ClinVar aggregate classification (germline): Pathogenic/Likely pathogenic. Review status: criteria provided, multiple submitters, no conflicts (2 of 4 stars). 2 submissions from 2 submitters: Pathogenic (1); Likely pathogenic (1). Last evaluated 2024-08-22.

Conditions:
Leber congenital amaurosis (LCA). Also called: Leber's amaurosis. Identifiers: Orphanet 65, MedGen C0339527, MeSH D057130, MONDO:0018998.
Leber congenital amaurosis 13 (LCA13). Identifiers: MedGen C2675186, MONDO:0012990, OMIM 612712.

Allele frequency attached by ClinVar (database versions not stated): gnomAD 0.00001; gnomAD exomes below 0.00001; TOPMed below 0.00001.

Submissions (2):

Natera, Inc.
Classification: Likely pathogenic for Leber congenital amaurosis. Last evaluated: 2024-08-22. Review status: criteria provided, single submitter. Criteria: Natera Variant Classification Schema (03/2026). Collection method: clinical testing. Allele origin: germline.
Comment: The c.829_830delCT variant in RDH12 is a frameshift variant predicted to shift the reading frame beginning at codon 277 and leads to a stop codon 7 codons downstream. This variant is expected to result in nonsense mediated decay, truncation, or a dysfunctional protein product. This variant is rare in the general population with a frequency below the threshold expected for the associated phenotype(s). Given the available evidence, this variant is classified as Likely Pathogenic.

Labcorp Genetics (formerly Invitae), Labcorp
Classification: Pathogenic for Leber congenital amaurosis 13. Last evaluated: 2022-09-24. Review status: criteria provided, single submitter. Criteria: Invitae Variant Classification Sherloc (09022015). Collection method: clinical testing. Allele origin: germline.
Comment: This sequence change creates a premature translational stop signal (p.Leu277Glufs*7) in the RDH12 gene. While this is not anticipated to result in nonsense mediated decay, it is expected to disrupt the last 40 amino acid(s) of the RDH12 protein. This variant is present in population databases (no rsID available, gnomAD 0.002%). This variant has not been reported in the literature in individuals affected with RDH12-related conditions. This variant disrupts a region of the RDH12 protein in which other variant(s) (p.Trp304*) have been determined to be pathogenic (PMID: 20736127, 24625443). This suggests that this is a clinically significant region of the protein, and that variants that disrupt it are likely to be disease-causing. For these reasons, this variant has been classified as Pathogenic.

Literature cited by the submitters: PubMed 20736127 (cited by Labcorp Genetics (formerly Invitae), Labcorp); PubMed 24625443 (cited by Labcorp Genetics (formerly Invitae), Labcorp).